The following is an entry in ClinVar:

ClinVar aggregate classification (germline): Uncertain significance. Review status: criteria provided, multiple submitters, no conflicts (2 of 4 stars). 2 submissions from 2 submitters: Uncertain significance (2). Last evaluated 2025-08-22.

Conditions:
Inborn genetic diseases. Identifiers: MedGen C0950123, MeSH D030342.

Submissions (2):

Ambry Genetics
Classification: Uncertain significance for Inborn genetic diseases. Last evaluated: 2025-08-22. Review status: criteria provided, single submitter. Criteria: Ambry Variant Classification Scheme 2023. Collection method: clinical testing. Allele origin: germline.

Labcorp Genetics (formerly Invitae), Labcorp
Classification: Uncertain significance. Last evaluated: 2022-08-06. Review status: criteria provided, single submitter. Criteria: Invitae Variant Classification Sherloc (09022015). Collection method: clinical testing. Allele origin: germline.
Comment: In summary, the available evidence is currently insufficient to determine the role of this variant in disease. Therefore, it has been classified as a Variant of Uncertain Significance. Algorithms developed to predict the effect of missense changes on protein structure and function (SIFT, PolyPhen-2, Align-GVGD) all suggest that this variant is likely to be disruptive. This variant has not been reported in the literature in individuals affected with LAMB1-related conditions. This variant is not present in population databases (gnomAD no frequency). This sequence change replaces alanine, which is neutral and non-polar, with threonine, which is neutral and polar, at codon 281 of the LAMB1 protein (p.Ala281Thr).

NM_002291.3(LAMB1):c.841G>A (p.Ala281Thr)

Gene: LAMB1 (laminin subunit beta 1; minus strand). Cytogenetic location: 7q31.1.
Variant type: single nucleotide variant.
Coding change: c.841G>A on transcript NM_002291.3 (MANE Select); coding-DNA position 841, G replaced by A.
Protein change: p.Ala281Thr; replaces alanine 281 with threonine.
Molecular consequence: missense variant.
Genome position (GRCh38, 1-based): chr7:107,980,647, C>T on the plus strand (G>A on the coding strand, the complement: LAMB1 is on the minus strand). VCF-style: chr7-107980647-C-T. GRCh37 (hg19) VCF-style: chr7-107621092-C-T.
Other names: c.841G>A (NM_002291.2); short protein forms A281T.
Identifiers: ClinVar variation 2101558 (VCV002101558.5), dbSNP rs1233011234, ClinGen allele CA368879820.